The following is an entry in ClinVar:

NM_004006.3(DMD):c.7170C>G (p.Tyr2390Ter)

Gene: DMD (dystrophin; minus strand). Cytogenetic location: Xp21.1.
Variant type: single nucleotide variant.
Coding change: c.7170C>G on transcript NM_004006.3 (MANE Select); coding-DNA position 7170, C replaced by G.
Protein change: p.Tyr2390Ter; replaces tyrosine 2390 with a stop codon.
Molecular consequence: nonsense. On other transcripts: 5 prime UTR variant (5).
Genome position (GRCh38, 1-based): chrX:31,836,748, G>C on the plus strand (C>G on the coding strand, the complement: DMD is on the minus strand). VCF-style: chrX-31836748-G-C. GRCh37 (hg19) VCF-style: chrX-31854865-G-C.
Other names: c.7146C>G, p.Tyr2382Ter (NM_000109.4); c.7158C>G, p.Tyr2386Ter (NM_004009.3); c.6801C>G, p.Tyr2267Ter (NM_004010.3); c.3147C>G, p.Tyr1049Ter (NM_004011.4); c.3138C>G, p.Tyr1046Ter (NM_004012.4); c.-211C>G (NM_004013.3, NM_004020.4, NM_004021.3 and 2 more transcripts); short protein forms Y2390*, Y1049*, Y2382*, Y2386*, Y1046*, Y2267*.
Identifiers: ClinVar variation 497971 (VCV000497971.9), dbSNP rs770183212, ClinGen allele CA412659279.

ClinVar aggregate classification (germline): Pathogenic/Likely pathogenic. Review status: criteria provided, multiple submitters, no conflicts (2 of 4 stars). 5 submissions from 5 submitters: Pathogenic (3); Likely pathogenic (2). Last evaluated 2025-12-12.

Conditions:
Neuromuscular disease caused by qualitative or quantitative defects of dystrophin. Also called: Qualitative or quantitative defects of dystrophin. Identifiers: Orphanet 207085, MedGen C5679787, MONDO:0016147.
Duchenne muscular dystrophy (DMD). Also called: MUSCULAR DYSTROPHY, PSEUDOHYPERTROPHIC PROGRESSIVE, DUCHENNE TYPE; Duchenne Muscular Dystrophy (DMD). Identifiers: Orphanet 98896, MedGen C0013264, MONDO:0010679, OMIM 310200.
Becker muscular dystrophy, Cardiomyopathy, Duchenne muscular dystrophy, Dystrophin deficiency.

Submissions (5):

Natera, Inc.
Classification: Likely pathogenic for Becker muscular dystrophy, Cardiomyopathy, Duchenne muscular dystrophy, Dystrophin deficiency. Last evaluated: 2025-12-12. Review status: criteria provided, single submitter. Criteria: Natera Variant Classification Schema (03/2026). Collection method: clinical testing. Allele origin: germline.
Comment: The c.7170C>G variant in DMD is a nonsense variant predicted to introduce a stop codon at amino acid 2390. This variant is expected to result in nonsense mediated decay, truncation, or a dysfunctional protein product. This variant is rare in the general population with a frequency below the threshold expected for the associated phenotype(s). Given the available evidence, this variant is classified as Likely Pathogenic.

ARUP Laboratories, Molecular Genetics and Genomics, ARUP Laboratories
Classification: Pathogenic. Last evaluated: 2025-02-18. Review status: criteria provided, single submitter. Criteria: ARUP Molecular Germline Variant Investigation Process 2024. Collection method: clinical testing. Allele origin: germline.
Comment: The DMD c.7170C>G; p.Tyr2390Ter variant (rs770183212), to our knowledge, is not reported in the medical literature but is reported in ClinVar (Variation ID: 497971). This variant is absent from the Genome Aggregation Database (v2.1.1), indicating it is not a common polymorphism. This variant induces an early termination codon and is predicted to result in a truncated protein or mRNA subject to nonsense-mediated decay. Based on available information, this variant is considered to be pathogenic.

Labcorp Genetics (formerly Invitae), Labcorp
Classification: Pathogenic for Duchenne muscular dystrophy. Last evaluated: 2024-08-08. Review status: criteria provided, single submitter. Criteria: Invitae Variant Classification Sherloc (09022015). Collection method: clinical testing. Allele origin: germline.
Comment: This sequence change creates a premature translational stop signal (p.Tyr2390*) in the DMD gene. It is expected to result in an absent or disrupted protein product. Loss-of-function variants in DMD are known to be pathogenic (PMID: 16770791, 25007885). This variant is not present in population databases (gnomAD no frequency). This variant has not been reported in the literature in individuals affected with DMD-related conditions. ClinVar contains an entry for this variant (Variation ID: 497971). For these reasons, this variant has been classified as Pathogenic.

Women's Health and Genetics/Laboratory Corporation of America, LabCorp
Classification: Likely pathogenic for Neuromuscular disease caused by qualitative or quantitative defects of dystrophin. Last evaluated: 2022-01-24. Review status: criteria provided, single submitter. Criteria: LabCorp Variant Classification Summary - May 2015. Collection method: clinical testing. Allele origin: germline.
Comment: Variant summary: DMD c.7170C>G (p.Tyr2390X) results in a premature termination codon, predicted to cause a truncation of the encoded protein or absence of the protein due to nonsense mediated decay, which are commonly known mechanisms for disease. Truncations downstream of this position have been classified as pathogenic by our laboratory. The variant was absent in 182949 control chromosomes. To our knowledge, no occurrence of c.7170C>G in individuals affected with Dystrophinopathies and no experimental evidence demonstrating its impact on protein function have been reported. One clinical diagnostic laboratory has submitted clinical-significance assessments for this variant to ClinVar after 2014 without evidence for independent evaluation and classified the variant as pathogenic. Based on the evidence outlined above, the variant was classified as likely pathogenic.

Eurofins Ntd Llc (ga)
Classification: Pathogenic. Last evaluated: 2016-10-14. Review status: criteria provided, single submitter. Criteria: EGL Classification Definitions 2015. Collection method: clinical testing. Allele origin: germline. Observed: 1 variant allele, 1 hemizygote.

Literature cited by the submitters: PubMed 16770791 (cited by Labcorp Genetics (formerly Invitae), Labcorp); PubMed 25007885 (cited by Labcorp Genetics (formerly Invitae), Labcorp).